The following is an entry in ClinVar:

NM_032242.4(PLXNA1):c.1574T>G (p.Leu525Arg)

Gene: PLXNA1 (plexin A1; plus strand). Cytogenetic location: 3q21.3.
Variant type: single nucleotide variant.
Coding change: c.1574T>G on transcript NM_032242.4 (MANE Select); coding-DNA position 1574, T replaced by G.
Protein change: p.Leu525Arg; replaces leucine 525 with arginine.
Molecular consequence: missense variant.
Genome position (GRCh38, 1-based): chr3:127,004,666, T>G. VCF-style: chr3-127004666-T-G. GRCh37 (hg19) VCF-style: chr3-126723509-T-G.
Other names: short protein forms L525R.
Identifiers: ClinVar variation 3354154 (VCV003354154.1).

ClinVar aggregate classification (germline): Uncertain significance (0 of 4 stars; one submission).

Conditions:
PLXNA1-related disorder. Also called: PLXNA1-related condition.

gnomAD v4.1: 5 of 1,590,108 alleles (0.00031%); highest among the groups gnomAD compares: Non-Finnish European, 0.00043%; no homozygotes.

Submission:

PreventionGenetics, part of Exact Sciences
Classification: Uncertain significance for PLXNA1-related condition. Last evaluated: 2024-06-23. Review status: no assertion criteria provided. Collection method: clinical testing. Allele origin: germline.
Comment: The PLXNA1 c.1574T>G variant is predicted to result in the amino acid substitution p.Leu525Arg. To our knowledge, this variant has not been reported in the literature or in a large population database, indicating this variant is rare. At this time, the clinical significance of this variant is uncertain due to the absence of conclusive functional and genetic evidence.